The following is an entry in ClinVar:

ClinVar aggregate classification (germline): Likely benign (1 of 4 stars; one submission).

Allele frequency attached by ClinVar (database versions not stated): gnomAD 0.00005; ExAC 0.00006; TOPMed 0.00006; ESP Exome Variant Server 0.00008.
gnomAD v4.1: 37 of 1,590,244 alleles (0.0023%); highest among the groups gnomAD compares: African/African-American, 0.0081%; no homozygotes.

Submission:

CeGaT Center for Human Genetics Tuebingen
Classification: Likely benign. Last evaluated: 2024-05-01. Review status: criteria provided, single submitter. Criteria: CeGaT Center For Human Genetics Tuebingen Variant Classification Criteria Version 2. Collection method: clinical testing. Allele origin: germline. Affected: yes. Observed: 1 variant allele.
Comment: PUM1: BP4, BP7

NM_001020658.2(PUM1):c.1245G>A (p.Pro415=)

Gene: PUM1 (pumilio RNA binding family member 1; minus strand). Cytogenetic location: 1p35.2.
Variant type: single nucleotide variant.
Coding change: c.1245G>A on transcript NM_001020658.2 (MANE Select); coding-DNA position 1245, G replaced by A.
Protein change: p.Pro415=; no amino-acid change (proline 415 retained).
Molecular consequence: synonymous variant.
Genome position (GRCh38, 1-based): chr1:30,981,319, C>T on the plus strand (G>A on the coding strand, the complement: PUM1 is on the minus strand). VCF-style: chr1-30981319-C-T. GRCh37 (hg19) VCF-style: chr1-31454166-C-T.
Other names: c.1245G>A, p.Pro415= (NM_014676.3).
Identifiers: ClinVar variation 3239127 (VCV003239127.19), dbSNP rs372268520.
Genomic context (GRCh38, chr1:30,981,319, plus strand): 5'-CCTAAAATGGCGGCCACACCTATCATGAAAGAGCTATGGGCTTAAGGACTTACCGATGTG[C>T]GGCTGATGAGCAGCTGCCAGTGCATACTGCTGCTGCTGAGCAGCTGTCAACTGCTGGACA-3'
Protein context (NP_001018494.1, residues 405-425): QQYALAAAHQ[Pro415=]HIGLAPAAFV